The following is an entry in ClinVar:

ClinVar aggregate classification (germline): Pathogenic (1 of 4 stars; one submission).

Conditions:
Exostoses, multiple, type 1 (EXT1). Also called: EXOSTOSES, MULTIPLE, TYPE I; Hereditary Multiple Osteochondromatosis, Type I. Identifiers: MedGen CN263289, MONDO:0007585, OMIM 133700.
Chondrosarcoma. Also called: Chondrosarcoma, somatic. Identifiers: Orphanet 55880, MedGen C0008479, MONDO:0008977, OMIM 215300, HP:0006765.

Submission:

Juno Genomics, Hangzhou Juno Genomics, Inc
Classification: Pathogenic for Chondrosarcoma; Exostoses, multiple, type 1. Review status: criteria provided, single submitter. Criteria: ACMG Guidelines, 2015. Collection method: clinical testing. Allele origin: germline. Affected: yes.
Comment: Absent from controls (or at extremely low frequency if recessive) in Genome Aggregation Database.;Null variant in a gene where loss of function (LOF) is a known mechanism of disease.;The prevalence of the variant in affected individuals is significantly increased compared to the prevalence in controls.

NM_000127.3(EXT1):c.1334G>A (p.Trp445Ter)

Gene: EXT1 (exostosin glycosyltransferase 1; minus strand). Cytogenetic location: 8q24.11.
Variant type: single nucleotide variant.
Coding change: c.1334G>A on transcript NM_000127.3 (MANE Select); coding-DNA position 1334, G replaced by A.
Protein change: p.Trp445Ter; replaces tryptophan 445 with a stop codon.
Molecular consequence: nonsense.
Genome position (GRCh38, 1-based): chr8:117,822,548, C>T on the plus strand (G>A on the coding strand, the complement: EXT1 is on the minus strand). VCF-style: chr8-117822548-C-T. GRCh37 (hg19) VCF-style: chr8-118834787-C-T.
Other names: short protein forms W445*.
Identifiers: ClinVar variation 5018542 (VCV005018542.1).
Genomic context (GRCh38, chr8:117,822,548, plus strand): 5'-AAATCTCCCAGATAAGATGAATACTGTGGTAGTACGAACAATCCTCCAGGATGTTTGTTC[C>T]ATATTAAACTGTTACGTGATATGTGCTTGAATATTCTGTCCTGAATAATCTAGAAAATAA-3'